The following is an entry in ClinVar:

GRCh37/hg19 11q14.1-14.3(chr11:81771852-90851187)

Genes: TRIM64B (tripartite motif containing 64B; minus strand), TRIM77 (tripartite motif containing 77; plus strand), TYR (tyrosinase; plus strand), UBTFL1 (upstream binding transcription factor like 1; plus strand), PCF11 (PCF11 cleavage and polyadenylation factor subunit; plus strand) and 33 more. Cytogenetic location: 11q14.1-14.3.
Variant type: copy number loss.
Identifiers: ClinVar variation 590793 (VCV000590793.2).

ClinVar aggregate classification (germline): Pathogenic (1 of 4 stars; one submission).

Conditions:
Intellectual disability. Also called: Intellectual developmental disorder; Intellectual functioning disability; intellectual disabilities. Identifiers: MedGen C3714756, MeSH D008607, MONDO:0001071, HP:0001249.

Submission:

Medical Genetics Lab, Policlinico S. Orsola.Malpighi
Classification: Pathogenic for Intellectual disability. Last evaluated: 2018-11-06. Review status: criteria provided, single submitter. Criteria: ACMG CNV Guidelines, 2011. Collection method: clinical testing. Allele origin: de novo. Affected: yes.
Comment: Few other partially overlapping deletions are defined as pathogenic and carriers share some clinical features (developmental delay and facial dysmorphisms).